The following is an entry in ClinVar:

NM_016239.4(MYO15A):c.2419C>T (p.Gln807Ter)

Gene: MYO15A (myosin XVA; plus strand). Cytogenetic location: 17p11.2.
Variant type: single nucleotide variant.
Coding change: c.2419C>T on transcript NM_016239.4 (MANE Select); coding-DNA position 2419, C replaced by T.
Protein change: p.Gln807Ter; replaces glutamine 807 with a stop codon.
Molecular consequence: nonsense.
Genome position (GRCh38, 1-based): chr17:18,121,219, C>T. VCF-style: chr17-18121219-C-T. GRCh37 (hg19) VCF-style: chr17-18024533-C-T.
Other names: short protein forms Q807*.
Identifiers: ClinVar variation 620344 (VCV000620344.19), dbSNP rs1233145763, ClinGen allele CA398584206.

ClinVar aggregate classification (germline): Pathogenic/Likely pathogenic. Review status: criteria provided, multiple submitters, no conflicts (2 of 4 stars). 8 submissions from 8 submitters: Pathogenic (6); Likely pathogenic (2). Last evaluated 2026-01-21.

Conditions:
Autosomal recessive nonsyndromic hearing loss 3. Also called: NEUROSENSORY NONSYNDROMIC RECESSIVE DEAFNESS 3. Identifiers: Orphanet 90636, MedGen C1838263, MONDO:0010860, OMIM 600316.
MYO15A-related disorder. Also called: MYO15A-related condition.

Allele frequency attached by ClinVar (database versions not stated): gnomAD 0.00001 and 0.00002; TOPMed 0.00002; gnomAD exomes 0.00006.

Submissions (8):

Institute of Human Genetics, University of Leipzig Medical Center
Classification: Pathogenic for Autosomal recessive nonsyndromic hearing loss 3. Last evaluated: 2026-01-21. Review status: criteria provided, single submitter. Criteria: ACMG Guidelines, 2015. Collection method: clinical testing. Allele origin: unknown. Inheritance: Autosomal recessive inheritance. Affected: yes.
Comment: Criteria applied: PVS1,PM2

GeneDx
Classification: Pathogenic. Last evaluated: 2025-11-29. Review status: criteria provided, single submitter. Criteria: GeneDx Variant Classification Process June 2021. Collection method: clinical testing. Allele origin: germline. Affected: yes.
Comment: Nonsense variant predicted to result in protein truncation or nonsense mediated decay in a gene for which loss of function is a known mechanism of disease; Has not been previously published as pathogenic or benign to our knowledge

CeGaT Center for Human Genetics Tuebingen
Classification: Pathogenic. Last evaluated: 2025-09-01. Review status: criteria provided, single submitter. Criteria: CeGaT Center For Human Genetics Tuebingen Variant Classification Criteria Version 2. Collection method: clinical testing. Allele origin: germline. Affected: yes. Observed: 2 variant alleles.
Comment: MYO15A: PVS1, PM2, PM3

PreventionGenetics, part of Exact Sciences
Classification: Likely pathogenic for MYO15A-related condition. Last evaluated: 2025-02-18. Review status: criteria provided, single submitter. Criteria: ACMG Guidelines, 2015. Collection method: clinical testing. Allele origin: germline.
Comment: The MYO15A c.2419C>T variant is predicted to result in premature protein termination (p.Gln807*). To our knowledge, this variant has not been reported in the literature. This variant is reported in 0.023% of alleles in individuals of Latino descent in gnomAD. Nonsense variants in MYO15A are expected to be pathogenic. This variant is interpreted as likely pathogenic.

Victorian Clinical Genetics Services, Murdoch Childrens Research Institute
Classification: Pathogenic for Autosomal recessive nonsyndromic hearing loss 3. Last evaluated: 2024-10-09. Review status: criteria provided, single submitter. Criteria: ACMG Guidelines, 2015. Collection method: clinical testing. Allele origin: germline. Inheritance: Autosomal recessive inheritance. Affected: yes.
Comment: Based on the classification scheme VCGS_Germline_v1.3.4, this variant is classified as Pathogenic. Following criteria are met: 0102 - Loss of function is a known mechanism of disease in this gene and is associated with deafness, autosomal recessive, 3(MIM#600316). (I) 0106 - This gene is associated with autosomal recessive disease. (I) 0201 - Variant is predicted to cause nonsense-mediated decay (NMD) and loss of protein (premature termination codon is located at least 54 nucleotides upstream of the final exon-exon junction). (SP) 0251 - This variant is heterozygous. (I) 0304 - Variant is present in gnomAD (v2) <0.01 for a recessive condition (9 heterozygotes, 0 homozygotes). (SP) 0701 - Many other NMD-predicted variants comparable to the one identified in this case have very strong previous evidence for pathogenicity (DECIPHER). (SP) 0802 - This variant has moderate previous evidence of pathogenicity in unrelated individuals. This variant has been classified as pathogenic by multiple clinical laboratories in ClinVar. (SP) 0905 - No published segregation evidence has been identified for this variant. (I) 1007 - No published functional evidence has been identified for this variant. (I) 1208 - Inheritance information for this variant is not currently available in this individual. (I) Legend: (SP) - Supporting pathogenic, (I) - Information, (SB) - Supporting benign

Blueprint Genetics
Classification: Likely pathogenic for MYO15A-related disorders. Last evaluated: 2024-03-01. Review status: criteria provided, single submitter. Criteria: ACMG Guidelines, 2015. Collection method: clinical testing. Allele origin: germline. Affected: yes. Observed: 3 variant alleles.

Labcorp Genetics (formerly Invitae), Labcorp
Classification: Pathogenic. Last evaluated: 2024-01-19. Review status: criteria provided, single submitter. Criteria: Invitae Variant Classification Sherloc (09022015). Collection method: clinical testing. Allele origin: germline.
Comment: This sequence change creates a premature translational stop signal (p.Gln807*) in the MYO15A gene. It is expected to result in an absent or disrupted protein product. Loss-of-function variants in MYO15A are known to be pathogenic (PMID: 17546645). The frequency data for this variant in the population databases is considered unreliable, as metrics indicate poor data quality at this position in the gnomAD database. This variant has not been reported in the literature in individuals affected with MYO15A-related conditions. ClinVar contains an entry for this variant (Variation ID: 620344). For these reasons, this variant has been classified as Pathogenic.

3billion
Classification: Pathogenic for Autosomal recessive nonsyndromic hearing loss 3. Last evaluated: 2022-03-22. Review status: criteria provided, single submitter. Criteria: ACMG Guidelines, 2015. Collection method: clinical testing. Allele origin: germline. Affected: yes. Observed: 1 heterozygote.
Comment: Stop-gained (nonsense): predicted to result in a loss or disruption of normal protein function through nonsense-mediated decay (NMD) or protein truncation. Multiple pathogenic variants are reported downstream of the variant. The variant has been reported at least twice as pathogenic/likely pathogenic with clinical assertions and evidence for the classification (ClinVar ID: VCV000620344, 3billion dataset). It is observed at an extremely low frequency in the gnomAD v2.1.1 dataset (total allele frequency: 0.0000885). Therefore, this variant is classified as pathogenic according to the recommendation of ACMG/AMP guideline.

Literature cited by the submitters: PubMed 17546645 (cited by Labcorp Genetics (formerly Invitae), Labcorp).